The following is an entry in ClinVar:

NM_006086.4(TUBB3):c.278-212T>C

Gene: TUBB3 (tubulin beta 3 class III; plus strand). Cytogenetic location: 16q24.3.
Variant type: single nucleotide variant.
Coding change: c.278-212T>C on transcript NM_006086.4 (MANE Select); 212 bases into the intron before coding-DNA position 278, T replaced by C.
Molecular consequence: intron variant.
Genome position (GRCh38, 1-based): chr16:89,934,517, T>C. VCF-style: chr16-89934517-T-C. GRCh37 (hg19) VCF-style: chr16-90000925-T-C.
Other names: c.62-212T>C (NM_001197181.2).
Identifiers: ClinVar variation 670259 (VCV000670259.2), dbSNP rs4396536, ClinGen allele CA8256075.

ClinVar aggregate classification (germline): Benign. Review status: criteria provided, multiple submitters, no conflicts (2 of 4 stars). 2 submissions from 2 submitters: Benign (2). Last evaluated 2018-06-19.

Allele frequency attached by ClinVar (database versions not stated): gnomAD exomes 0.99016 and 0.99157; TOPMed 0.99047; gnomAD 0.99125 and 0.99145; ExAC 0.99401; 1000 Genomes Project 30x 0.99516; 1000 Genomes Project 0.99521.
gnomAD v4.1: 640,475 of 646,700 alleles (99%); highest among the groups gnomAD compares: East Asian, 100%; 317,172 homozygotes.

Submissions (2):

GeneDx
Classification: Benign. Last evaluated: 2018-06-19. Review status: criteria provided, single submitter. Criteria: GeneDx Variant Classification (06012015). Collection method: clinical testing. Allele origin: germline. Affected: yes.
Comment: This variant is considered likely benign or benign based on one or more of the following criteria: it is a conservative change, it occurs at a poorly conserved position in the protein, it is predicted to be benign by multiple in silico algorithms, and/or has population frequency not consistent with disease.

Breakthrough Genomics
Classification: Benign. Review status: criteria provided, single submitter. Criteria: ACMG Guidelines, 2015. Collection method: not provided. Allele origin: germline. Inheritance: Autosomal dominant inheritance. Affected: yes.